The following is an entry in ClinVar:

NM_017708.4(SACK1E):c.363G>A (p.Ala121=)

Gene: SACK1E (scaffolding CK1 anchoring protein E; minus strand). Cytogenetic location: 19q13.33.
Variant type: single nucleotide variant.
Coding change: c.363G>A on transcript NM_017708.4 (MANE Select); coding-DNA position 363, G replaced by A.
Protein change: p.Ala121=; no amino-acid change (alanine 121 retained).
Molecular consequence: synonymous variant.
Genome position (GRCh38, 1-based): chr19:48,613,010, C>T on the plus strand (G>A on the coding strand, the complement: SACK1E is on the minus strand). VCF-style: chr19-48613010-C-T. GRCh37 (hg19) VCF-style: chr19-49116267-C-T.
Identifiers: ClinVar variation 2650210 (VCV002650210.24), dbSNP rs374430276, ClinGen allele CA9553795.
Genomic context (GRCh38, chr19:48,613,010, plus strand): 5'-GGGCGGCTGACCCTCTCCAGGAGGCTGGGTGTACAGCTGCGCCCGGGTGATGCCTTTCCA[C>T]GCAGAGTCCACTGGCCAGCCCAGCCGCAGGACGGGCGCCGGCTGCTCCGACTGCCCAGGC-3'
Protein context (NP_060178.2, residues 111-131): VLRLGWPVDS[Ala121=]WKGITRAQLY

ClinVar aggregate classification (germline): Likely benign (1 of 4 stars; one submission).

Allele frequency attached by ClinVar (database versions not stated): ExAC 0.00017; ESP Exome Variant Server 0.00041; gnomAD 0.00048; TOPMed 0.00057.

Submission:

CeGaT Center for Human Genetics Tuebingen
Classification: Likely benign. Last evaluated: 2022-07-01. Review status: criteria provided, single submitter. Criteria: CeGaT Center For Human Genetics Tuebingen Variant Classification Criteria Version 2. Collection method: clinical testing. Allele origin: germline. Affected: yes. Observed: 1 variant allele.
Comment: SACK1E: BP4, BP7